The following is an entry in ClinVar:

NR_003051.3(RMRP):n.-20_-5dupCTCTGTGAAGCTGAGG

Gene: RMRP (RNA component of mitochondrial RNA processing endoribonuclease; minus strand). Cytogenetic location: 9p13.3.
Variant type: Duplication.
Genome position: GRCh38 VCF-style: chr9-35658022-T-TCCTCAGCTTCACAGAG. GRCh37 (hg19) VCF-style: chr9-35658019-T-TCCTCAGCTTCACAGAG.
Identifiers: ClinVar variation 1065953 (VCV001065953.40), dbSNP rs1823637651, ClinGen allele CA1846127688.

ClinVar aggregate classification (germline): Pathogenic/Likely pathogenic. Review status: criteria provided, multiple submitters, no conflicts (2 of 4 stars). 4 submissions from 4 submitters: Pathogenic (1); Likely pathogenic (3). Last evaluated 2025-01-18.

Conditions:
Metaphyseal chondrodysplasia, McKusick type (CHH). Also called: Cartilage-Hair Hypoplasia (CHH); Cartilage-hair hypoplasia. Identifiers: Orphanet 175, MedGen C0220748, MONDO:0009595, OMIM 250250.
Anauxetic dysplasia. Identifiers: Orphanet 93347, MedGen C1846796, MONDO:0011773.

Allele frequency attached by ClinVar (database versions not stated): TOPMed 0.00001.

Submissions (4):

Natera, Inc.
Classification: Likely pathogenic for Cartilage-hair hypoplasia. Last evaluated: 2025-01-18. Review status: criteria provided, single submitter. Criteria: Natera Variant Classification Schema (03/2026). Collection method: clinical testing. Allele origin: germline.
Comment: The n.-20_-5dupCTCTGTGAAGCTGAGG variant in RMRP is a duplication affecting the RMRP promoter region between the TATA box and the transcription initiation site. Other duplications and insertions just upstream of the transcription initiation site have been reported in individuals affected with cartilage-hair hypoplasia (PMID: 11207361, 17937437). This variant is rare in the general population with a frequency below the threshold expected for the associated phenotype(s). Given the available evidence, this variant is classified as Likely pathogenic.

Labcorp Genetics (formerly Invitae), Labcorp
Classification: Pathogenic for Anauxetic dysplasia. Last evaluated: 2024-04-03. Review status: criteria provided, single submitter. Criteria: Invitae Variant Classification Sherloc (09022015). Collection method: clinical testing. Allele origin: germline.
Comment: This variant occurs in the RMRP gene, which encodes an RNA molecule that does not result in a protein product. This variant is not present in population databases (gnomAD no frequency). While this particular variant has not been reported in the literature, it is located in the promoter region between the TATA box and the transcription initiation site, and other insertions and duplications immediately upstream of the coding sequence have been reported in individuals affected with cartilage-hair hypoplasia-anauxetic dysplasia (CHH-AD) spectrum disorders (PMID: 16244706, 11207361, 12107819). While functional studies for this variant have not been reported, experimental analyses using patient derived cells, as well as in vitro transfection studies, have shown that promoter insertions result in silencing of RMRP transcription and reduced expression of the gene product (PMID: 11207361, 16254002). For these reasons, this variant has been classified as Pathogenic.

Women's Health and Genetics/Laboratory Corporation of America, LabCorp
Classification: Likely pathogenic for Metaphyseal chondrodysplasia, McKusick type. Last evaluated: 2022-09-07. Review status: criteria provided, single submitter. Criteria: LabCorp Variant Classification Summary - May 2015. Collection method: clinical testing. Allele origin: germline.
Comment: Variant summary: RMRP n.-20_-5dup16 is located in the promoter region of the RMRP gene which is located between the TATA box (at position -33 to -25) and the transcription initiation site (at +1). Other insertions or duplications in the promoter region of RMRP have been classified as pathogenic (internally and in ClinVar). The variant was absent in 127292 control chromosomes. The available data on variant occurrences in the general population are insufficient to allow any conclusion about variant significance. To our knowledge, no occurrence of n.-20_-5dup16 in individuals affected with Cartilage-Hair Hypoplasia and no experimental evidence demonstrating its impact on protein function have been reported. Many other insertions or duplications in the promoter region of RMRP have been reported in affected individuals in the literature (e.g. PMIDs: 21956908, 21396580) and have been demonstrated through functional studies to lead to reduced RMRP transcription (e.g. PMIDs: 11207361, 16254002). Two ClinVar submitters have assessed the variant since 2014: both classified the variant as likely pathogenic. Based on the evidence outlined above, the variant was classified as likely pathogenic.

CeGaT Center for Human Genetics Tuebingen
Classification: Likely pathogenic. Last evaluated: 2022-05-01. Review status: criteria provided, single submitter. Criteria: CeGaT Center For Human Genetics Tuebingen Variant Classification Criteria Version 2. Collection method: clinical testing. Allele origin: germline. Affected: yes. Observed: 1 variant allele.
Comment: RMRP: PM1, PM2, PM3:Supporting, PP4

Literature cited by the submitters: PubMed 11207361 (cited by Natera, Inc. and Labcorp Genetics (formerly Invitae), Labcorp); PubMed 17937437 (cited by Natera, Inc.); PubMed 16244706 (cited by Labcorp Genetics (formerly Invitae), Labcorp); PubMed 12107819 (cited by Labcorp Genetics (formerly Invitae), Labcorp); PubMed 16254002 (cited by Labcorp Genetics (formerly Invitae), Labcorp).